The following is an entry in ClinVar:

ClinVar aggregate classification (germline): Uncertain significance (1 of 4 stars; one submission).

Conditions:
Inborn genetic diseases. Identifiers: MedGen C0950123, MeSH D030342.

Submission:

Ambry Genetics
Classification: Uncertain significance for Inborn genetic diseases. Last evaluated: 2025-11-15. Review status: criteria provided, single submitter. Criteria: Ambry Variant Classification Scheme 2023. Collection method: clinical testing. Allele origin: germline.
Comment: The p.A1058G variant (also known as c.3173C>G), located in coding exon 32 of the FANCA gene, results from a C to G substitution at nucleotide position 3173. The alanine at codon 1058 is replaced by glycine, an amino acid with similar properties. This amino acid position is conserved. In addition, this alteration is predicted to be tolerated by in silico analysis. Based on the available evidence, the clinical significance of this variant remains unclear.

NM_000135.4(FANCA):c.3173C>G (p.Ala1058Gly)

Gene: FANCA (FA complementation group A; minus strand). Cytogenetic location: 16q24.3.
Variant type: single nucleotide variant.
Coding change: c.3173C>G on transcript NM_000135.4 (MANE Select); coding-DNA position 3173, C replaced by G.
Protein change: p.Ala1058Gly; replaces alanine 1058 with glycine.
Molecular consequence: missense variant.
Genome position (GRCh38, 1-based): chr16:89,749,796, G>C on the plus strand (C>G on the coding strand, the complement: FANCA is on the minus strand). VCF-style: chr16-89749796-G-C. GRCh37 (hg19) VCF-style: chr16-89816204-G-C.
Other names: c.3173C>G, p.Ala1058Gly (NM_001286167.3); short protein forms A1058G.
Identifiers: ClinVar variation 4619277 (VCV004619277.1).